The following is an entry in ClinVar:

NM_001243133.2(NLRP3):c.2553C>G (p.Thr851=)

Gene: NLRP3 (NLR family pyrin domain containing 3; plus strand). Cytogenetic location: 1q44.
Variant type: single nucleotide variant.
Coding change: c.2553C>G on transcript NM_001243133.2 (MANE Select); coding-DNA position 2553, C replaced by G.
Protein change: p.Thr851=; no amino-acid change (threonine 851 retained).
Molecular consequence: synonymous variant. On other transcripts: intron variant (2).
Genome position (GRCh38, 1-based): chr1:247,436,030, C>G. VCF-style: chr1-247436030-C-G. GRCh37 (hg19) VCF-style: chr1-247599332-C-G.
Other names: c.2553C>G, p.Thr851= (NM_001079821.3); c.2382C>G, p.Thr794= (NM_001127462.3); c.2559C>G, p.Thr853= (NM_004895.5); c.2492+1757C>G (NM_001127461.3); c.2321+1757C>G (NM_183395.3).
Identifiers: ClinVar variation 1193207 (VCV001193207.4), dbSNP rs756892237, ClinGen allele CA1495292.

ClinVar aggregate classification (germline): Conflicting classifications of pathogenicity. Review status: criteria provided, conflicting classifications (1 of 4 stars). 2 submissions from 2 submitters: Uncertain significance (1); Likely benign (1). Last evaluated 2025-01-14.

Conditions:
Cryopyrin associated periodic syndrome (CAPS). Identifiers: Orphanet 208650, MedGen C2316212, MONDO:0016168.

Allele frequency attached by ClinVar (database versions not stated): gnomAD exomes 0.00002; ExAC 0.00002.
gnomAD v4.1: 9 of 1,614,110 alleles (0.00056%); highest among the groups gnomAD compares: South Asian, 0.0099%; no homozygotes.

Submissions (2):

Labcorp Genetics (formerly Invitae), Labcorp
Classification: Likely benign for Cryopyrin associated periodic syndrome. Last evaluated: 2025-01-14. Review status: criteria provided, single submitter. Criteria: Invitae Variant Classification Sherloc (09022015). Collection method: clinical testing. Allele origin: germline.

GeneDx
Classification: Uncertain significance. Last evaluated: 2020-01-22. Review status: criteria provided, single submitter. Criteria: GeneDx Variant Classification Process June 2021. Collection method: clinical testing. Allele origin: germline. Affected: yes.
Comment: In silico analysis, which includes splice predictors and evolutionary conservation, supports that this variant does not alter protein structure/function; Has not been previously published as pathogenic or benign to our knowledge